The following is an entry in ClinVar:

NM_001375567.1(FOCAD):c.1413A>G (p.Ile471Met)

Gene: FOCAD (focadhesin; plus strand). Cytogenetic location: 9p21.3.
Variant type: single nucleotide variant.
Coding change: c.1413A>G on transcript NM_001375567.1 (MANE Select); coding-DNA position 1413, A replaced by G.
Protein change: p.Ile471Met; replaces isoleucine 471 with methionine.
Molecular consequence: missense variant.
Genome position (GRCh38, 1-based): chr9:20,789,566, A>G. VCF-style: chr9-20789566-A-G. GRCh37 (hg19) VCF-style: chr9-20789565-A-G.
Other names: c.1413A>G, p.Ile471Met (NM_001375568.1, NM_017794.5); c.1308A>G, p.Ile436Met (NM_001375570.1); short protein forms I436M, I471M.
Identifiers: ClinVar variation 3631578 (VCV003631578.2).
Genomic context (GRCh38, chr9:20,789,566, plus strand): 5'-TGCCTTTCTTCTGCTGGCTCACCTCCTTGTTGAAGACAAAGGACAAAATCTTCACCAAAT[A>G]CTCAAGGTCACTACAGAATTAGCCCAAGCAGATTCCTCCCAGGTAAAGCAAGAGAATAAT-3'
Protein context (NP_001362496.1, residues 461-481): VEDKGQNLHQ[Ile471Met]LKVTTELAQA

ClinVar aggregate classification (germline): Uncertain significance (1 of 4 stars; one submission).

gnomAD v4.1: 26 of 1,613,784 alleles (0.0016%); highest among the groups gnomAD compares: South Asian, 0.013%; no homozygotes.

Submission:

Labcorp Genetics (formerly Invitae), Labcorp
Classification: Uncertain significance. Last evaluated: 2024-02-08. Review status: criteria provided, single submitter. Criteria: Invitae Variant Classification Sherloc (09022015). Collection method: clinical testing. Allele origin: germline.
Comment: This sequence change replaces isoleucine, which is neutral and non-polar, with methionine, which is neutral and non-polar, at codon 471 of the FOCAD protein (p.Ile471Met). This variant is present in population databases (rs763418424, gnomAD 0.02%). This variant has not been reported in the literature in individuals affected with FOCAD-related conditions. Experimental studies and prediction algorithms are not available or were not evaluated, and the functional significance of this variant is currently unknown. In summary, the available evidence is currently insufficient to determine the role of this variant in disease. Therefore, it has been classified as a Variant of Uncertain Significance.